The following is an entry in ClinVar:

NM_017780.4(CHD7):c.4354G>A (p.Val1452Ile)

Gene: CHD7 (chromodomain helicase DNA binding protein 7; plus strand). Cytogenetic location: 8q12.2.
Variant type: single nucleotide variant.
Coding change: c.4354G>A on transcript NM_017780.4 (MANE Select); coding-DNA position 4354, G replaced by A.
Protein change: p.Val1452Ile; replaces valine 1452 with isoleucine.
Molecular consequence: missense variant. On other transcripts: intron variant (1).
Genome position (GRCh38, 1-based): chr8:60,838,076, G>A. VCF-style: chr8-60838076-G-A. GRCh37 (hg19) VCF-style: chr8-61750635-G-A.
Other names: c.1717-24153G>A (NM_001316690.1); short protein forms V1452I.
Identifiers: ClinVar variation 1983161 (VCV001983161.4), dbSNP rs932165314, ClinGen allele CA177348649.
Genomic context (GRCh38, chr8:60,838,076, plus strand): 5'-AGTCTGCAAACCTCTTAATTTTAAATTATTTTGAGTATTTTAAATATTTCTCTAAAACAG[G>A]TACAACAGCTTTCCAAGAAAGAAATAGAGGATCTTCTACGAAAAGGGGCCTATGGTGCAC-3'
Protein context (NP_060250.2, residues 1442-1462): MSGRENATNG[Val1452Ile]QQLSKKEIED

ClinVar aggregate classification (germline): Uncertain significance (1 of 4 stars; one submission).

Conditions:
CHARGE syndrome (CHARGE). Also called: Hittner Hirsch Kreh syndrome; CHARGE ASSOCIATION--COLOBOMA, HEART ANOMALY, CHOANAL ATRESIA, RETARDATION, GENITAL AND EAR ANOMALIES; Coloboma, heart anomaly, choanal atresia, retardation, genital and ear anomalies; CHARGE association; Hall-Hittner syndrome. Identifiers: Orphanet 138, MedGen C0265354, MONDO:0008965.

Allele frequency attached by ClinVar (database versions not stated): TOPMed below 0.00001; gnomAD exomes 0.00001.
gnomAD v4.1: 4 of 1,502,056 alleles (0.00027%); highest among the groups gnomAD compares: South Asian, 0.0013%; no homozygotes.

Submission:

Labcorp Genetics (formerly Invitae), Labcorp
Classification: Uncertain significance for CHARGE syndrome. Last evaluated: 2025-04-21. Review status: criteria provided, single submitter. Criteria: Invitae Variant Classification Sherloc (09022015). Collection method: clinical testing. Allele origin: germline.
Comment: This sequence change replaces valine, which is neutral and non-polar, with isoleucine, which is neutral and non-polar, at codon 1452 of the CHD7 protein (p.Val1452Ile). This variant is present in population databases (no rsID available, gnomAD 0.002%). This variant has not been reported in the literature in individuals affected with CHD7-related conditions. ClinVar contains an entry for this variant (Variation ID: 1983161). An algorithm developed to predict the effect of missense changes on protein structure and function (PolyPhen-2) suggests that this variant is likely to be disruptive. In summary, the available evidence is currently insufficient to determine the role of this variant in disease. Therefore, it has been classified as a Variant of Uncertain Significance.